The following is an entry in ClinVar:

ClinVar aggregate classification (germline): Pathogenic (1 of 4 stars; one submission).

Conditions:
Spastic paraplegia. Identifiers: MedGen C0037772, HP:0001258.

Submission:

Labcorp Genetics (formerly Invitae), Labcorp
Classification: Pathogenic for Spastic paraplegia. Last evaluated: 2024-12-12. Review status: criteria provided, single submitter. Criteria: Invitae Variant Classification Sherloc (09022015). Collection method: clinical testing. Allele origin: germline.
Comment: This sequence change creates a premature translational stop signal (p.Phe218Serfs*42) in the CYP2U1 gene. It is expected to result in an absent or disrupted protein product. Loss-of-function variants in CYP2U1 are known to be pathogenic (PMID: 23176821, 26936192, 27292318). This variant is not present in population databases (gnomAD no frequency). This premature translational stop signal has been observed in individual(s) with spastic paraplegia (PMID: 29761117). For these reasons, this variant has been classified as Pathogenic.

Literature cited by the submitters: PubMed 23176821; PubMed 26936192; PubMed 27292318; PubMed 29761117.

NM_183075.3(CYP2U1):c.651del (p.Phe218fs)

Gene: CYP2U1 (cytochrome P450 family 2 subfamily U member 1; plus strand). Cytogenetic location: 4q25.
Variant type: Deletion.
Coding change: c.651del on transcript NM_183075.3 (MANE Select); coding-DNA position 651, one base deleted (C; older notation c.651delC).
Protein change: p.Phe218fs; shifts the reading frame from phenylalanine 218.
Molecular consequence: frameshift variant.
Genome position (GRCh38, 1-based): chr4:107,945,130, C deleted; the last of 4 consecutive C bases (chr4:107,945,127-107,945,130); deleting any one gives the same sequence. VCF-style (leftmost placement, unchanged base first): chr4-107945126-AC-A. GRCh37 (hg19) VCF-style: chr4-108866282-AC-A.
Other names: short protein forms F218fs.
Identifiers: ClinVar variation 3704381 (VCV003704381.2).
Genomic context (GRCh38, chr4:107,945,126, plus strand): 5'-AGCCCAAGATTATTGAGGAGTTCAAATATGTGAAAGCAGAAATGCAAAAGCACGGAGAAG[AC>A]CCCTTCTGCCCTTTCTCCATCATCAGCAATGCCGTCTCTAACATCATTTGCTCCTTGTGC-3'